The following is an entry in ClinVar:

ClinVar aggregate classification (germline): Uncertain significance (1 of 4 stars; one submission).

Conditions:
Muscular dystrophy-dystroglycanopathy (congenital with brain and eye anomalies), type a, 11 (MDDGA11). Also called: Congenital muscular dystrophy-dystroglycanopathy with brain and eye anomalies, type A11; Muscular dystrophy-dystroglycanopathy (congenital with brain and eye anomalies, type A, 11; WALKER-WARBURG SYNDROME OR MUSCLE-EYE-BRAIN DISEASE, B3GALNT2-RELATED. Identifiers: Orphanet 588, Orphanet 899, MedGen C3554638, MONDO:0014071, OMIM 615181.

Submission:

Labcorp Genetics (formerly Invitae), Labcorp
Classification: Uncertain significance for Muscular dystrophy-dystroglycanopathy (congenital with brain and eye anomalies), type a, 11. Last evaluated: 2022-06-27. Review status: criteria provided, single submitter. Criteria: Invitae Variant Classification Sherloc (09022015). Collection method: clinical testing. Allele origin: germline.
Comment: This sequence change replaces asparagine, which is neutral and polar, with serine, which is neutral and polar, at codon 203 of the B3GALNT2 protein (p.Asn203Ser). In summary, the available evidence is currently insufficient to determine the role of this variant in disease. Therefore, it has been classified as a Variant of Uncertain Significance. Algorithms developed to predict the effect of sequence changes on RNA splicing suggest that this variant may disrupt the consensus splice site. Algorithms developed to predict the effect of missense changes on protein structure and function output the following: SIFT: "Deleterious"; PolyPhen-2: "Benign"; Align-GVGD: "Class C0". The serine amino acid residue is found in multiple mammalian species, which suggests that this missense change does not adversely affect protein function. ClinVar contains an entry for this variant (Variation ID: 837343). This variant has not been reported in the literature in individuals affected with B3GALNT2-related conditions. This variant is not present in population databases (gnomAD no frequency).

NM_152490.5(B3GALNT2):c.608A>G (p.Asn203Ser)

Gene: B3GALNT2 (beta-1,3-N-acetylgalactosaminyltransferase 2; minus strand). Cytogenetic location: 1q42.3.
Variant type: single nucleotide variant.
Coding change: c.608A>G on transcript NM_152490.5 (MANE Select); coding-DNA position 608, A replaced by G.
Protein change: p.Asn203Ser; replaces asparagine 203 with serine.
Molecular consequence: missense variant.
Genome position (GRCh38, 1-based): chr1:235,480,097, T>C on the plus strand (A>G on the coding strand, the complement: B3GALNT2 is on the minus strand). VCF-style: chr1-235480097-T-C. GRCh37 (hg19) VCF-style: chr1-235643413-T-C.
Other names: c.731A>G, p.Asn244Ser (NM_001277155.3); short protein forms N244S, N203S.
Identifiers: ClinVar variation 837343 (VCV000837343.7), dbSNP rs1684487405, ClinGen allele CA344922666.